The following is an entry in ClinVar:

ClinVar aggregate classification (germline): not provided (0 of 4 stars; one submission).

Conditions:
Juvenile onset Parkinson disease 19A. Also called: DNAJC6 Parkinson Disease; PARK19. Identifiers: Orphanet 391411, MedGen C3809811, MONDO:0014231, OMIM 615528.

Allele frequency attached by ClinVar (database versions not stated): gnomAD exomes below 0.00001; TOPMed below 0.00001.
gnomAD v4.1: 3 of 1,614,160 alleles (0.00019%); highest among the groups gnomAD compares: South Asian, 0.0011%; no homozygotes.

Submission:

GeneReviews
No classification provided. Condition: Juvenile onset Parkinson disease 19A. Review status: no classification provided. Collection method: literature only. Allele origin: germline.
Comment: Juvenile-onset parkinsonism

Literature cited by the submitters: PubMed 32472658; PubMed 33983693.

NM_001256864.2(DNAJC6):c.2416C>T (p.Arg806Ter)

Gene: DNAJC6 (DnaJ heat shock protein family (Hsp40) member C6; plus strand). Cytogenetic location: 1p31.3.
Variant type: single nucleotide variant.
Coding change: c.2416C>T on transcript NM_001256864.2 (MANE Select); coding-DNA position 2416, C replaced by T.
Protein change: p.Arg806Ter; replaces arginine 806 with a stop codon.
Molecular consequence: nonsense.
Genome position (GRCh38, 1-based): chr1:65,406,058, C>T. VCF-style: chr1-65406058-C-T. GRCh37 (hg19) VCF-style: chr1-65871741-C-T.
Other names: c.2206C>T, p.Arg736Ter (NM_001256865.2); c.2245C>T, p.Arg749Ter (NM_014787.4); short protein forms R736*, R749*, R806*.
Identifiers: ClinVar variation 1098744 (VCV001098744.2), dbSNP rs1646073230, ClinGen allele CA340716377.